The following is an entry in ClinVar:

ClinVar aggregate classification (germline): Likely benign (0 of 4 stars; one submission).

Conditions:
GP1BA-related disorder. Also called: GP1BA-related condition.

Submission:

PreventionGenetics, part of Exact Sciences
Classification: Likely benign for GP1BA-related condition. Last evaluated: 2024-03-25. Review status: no assertion criteria provided. Collection method: clinical testing. Allele origin: germline.
Comment: This variant is classified as likely benign based on ACMG/AMP sequence variant interpretation guidelines (Richards et al. 2015 PMID: 25741868, with internal and published modifications).

NM_000173.7(GP1BA):c.1275G>A (p.Glu425=)

Gene: GP1BA (glycoprotein Ib platelet subunit alpha; plus strand). Cytogenetic location: 17p13.2.
Variant type: single nucleotide variant.
Coding change: c.1275G>A on transcript NM_000173.7 (MANE Select); coding-DNA position 1275, G replaced by A.
Protein change: p.Glu425=; no amino-acid change (glutamic acid 425 retained).
Molecular consequence: synonymous variant.
Genome position (GRCh38, 1-based): chr17:4,933,879, G>A. VCF-style: chr17-4933879-G-A. GRCh37 (hg19) VCF-style: chr17-4837174-G-A.
Identifiers: ClinVar variation 3350171 (VCV003350171.1).
Genomic context (GRCh38, chr17:4,933,879, plus strand): 5'-TCCAAGCCCGACCACCCCAGAGCCCACCTCAGAGCCCGCCCCCAGCCCGACCACCCCGGA[G>A]CCCACCTCAGAGCCCGCCCCCAGCCCGACCACCCCAGAGCCCACCTCAGAGCCCGCCCCC-3'
Protein context (NP_000164.5, residues 415-435): SEPAPSPTTP[Glu425=]PTSEPAPSPT